The following is an entry in ClinVar:

ClinVar aggregate classification (germline): Uncertain significance (1 of 4 stars; one submission).

Conditions:
KIDINS220-related disorder. Also called: KIDINS220-related condition.

gnomAD v4.1: 13 of 1,613,692 alleles (0.00081%); highest among the groups gnomAD compares: Middle Eastern, 0.016%; no homozygotes.

Submission:

PreventionGenetics, part of Exact Sciences
Classification: Uncertain significance for KIDINS220-related condition. Last evaluated: 2025-07-23. Review status: criteria provided, single submitter. Criteria: ACMG Guidelines, 2015. Collection method: clinical testing. Allele origin: germline.
Comment: The KIDINS220 c.1303G>A variant is predicted to result in the amino acid substitution p.Gly435Ser. To our knowledge, this variant has not been reported in the literature. This variant is reported in 0.0083% of alleles in individuals of African descent in gnomAD. This variant is predicted to alter splicing based on available splicing prediction programs (SpliceAI, Jaganathan et al. 2019. PubMed ID: 30661751). However, the use of computer prediction programs is not equivalent to functional evidence. At this time, the clinical significance of this variant is uncertain due to the absence of conclusive functional and genetic evidence.

NM_020738.4(KIDINS220):c.1303G>A (p.Gly435Ser)

Gene: KIDINS220 (kinase D interacting substrate 220; minus strand). Cytogenetic location: 2p25.1.
Variant type: single nucleotide variant.
Coding change: c.1303G>A on transcript NM_020738.4 (MANE Select); coding-DNA position 1303, G replaced by A.
Protein change: p.Gly435Ser; replaces glycine 435 with serine.
Molecular consequence: missense variant. On other transcripts: non-coding transcript variant (2).
Genome position (GRCh38, 1-based): chr2:8,791,198, C>T on the plus strand (G>A on the coding strand, the complement: KIDINS220 is on the minus strand). VCF-style: chr2-8791198-C-T. GRCh37 (hg19) VCF-style: chr2-8931328-C-T.
Other names: c.1306G>A, p.Gly436Ser (NM_001348729.2, NM_001348731.2, NM_001348734.2 and 3 more transcripts); c.1303G>A, p.Gly435Ser (NM_001348732.2, NM_001348735.2, NM_001348738.2 and 3 more transcripts); c.1177G>A, p.Gly393Ser (NM_001348736.2); short protein forms G393S, G435S, G436S.
Identifiers: ClinVar variation 3355863 (VCV003355863.2).